The following is an entry in ClinVar:

NM_016341.4(PLCE1):c.4182_4201dup (p.Tyr1401fs)

Gene: PLCE1 (phospholipase C epsilon 1; plus strand). Cytogenetic location: 10q23.33.
Variant type: Duplication.
Coding change: c.4182_4201dup on transcript NM_016341.4 (MANE Select); coding-DNA positions 4182 to 4201, 20 bases duplicated (GCAGCTACCCCTCTCATACT).
Protein change: p.Tyr1401fs; shifts the reading frame from tyrosine 1401.
Molecular consequence: frameshift variant.
Genome position (GRCh38, 1-based): chr10:94,265,859-94,265,878, GCAGCTACCCCTCTCATACT duplicated; duplicating any 20 consecutive bases within chr10:94,265,856-94,265,878 gives the same sequence; the c. name uses the placement nearest the transcript's 3' end. VCF-style (leftmost placement, unchanged base first): chr10-94265855-A-AACTGCAGCTACCCCTCTCAT. GRCh37 (hg19) VCF-style: chr10-96025612-A-AACTGCAGCTACCCCTCTCAT.
Other names: c.3258_3277dup, p.Tyr1093fs (NM_001165979.2); c.4134_4153dup, p.Tyr1385fs (NM_001288989.2); short protein forms Y1093fs, Y1385fs, Y1401fs.
Identifiers: ClinVar variation 988226 (VCV000988226.1), dbSNP rs2051495579, ClinGen allele CA1928983053.

ClinVar aggregate classification (germline): Likely pathogenic (0 of 4 stars; one submission).

Conditions:
Nephrotic syndrome. Identifiers: MedGen C0027726, MONDO:0005377, HP:0000100.

Submission:

Sydney Genome Diagnostics, Children's Hospital Westmead
Classification: Likely pathogenic for Nephrotic syndrome. Last evaluated: 2017-09-28. Review status: no assertion criteria provided. Collection method: clinical testing. Allele origin: unknown. Affected: yes. Observed: 1 variant allele, 1 homozygote.
Comment: This duplication of 20bp is predicted to create a premature stop codon 29 positions downstream p.(Tyr1401Cysfs*29), and may result in a null allele due to nonsense-mediated mRNA decay. To our knowledge, this variant has not been reported in any population databases (i.e. ExAC, ESP or dbSNP), and also has not been previously reported in the literature or any disease specific databases. However, other truncating variants downstream of this variant have been previously reported (Hinkes et al 2006 Nat Genet 38:1397-1405; Boyer et al 2010 J Med Genet 47:445-452). This variant is considered to be likely pathogenic according to the ACMG guidelines.